The following is an entry in ClinVar:

ClinVar aggregate classification (germline): Uncertain significance (1 of 4 stars; one submission).

Conditions:
ABCA13-related disorder. Also called: ABCA13-related condition.

Submission:

PreventionGenetics, part of Exact Sciences
Classification: Uncertain significance for ABCA13-related condition. Last evaluated: 2026-09-25. Review status: criteria provided, single submitter. Criteria: ACMG Guidelines, 2015. Collection method: clinical testing. Allele origin: germline.
Comment: The ABCA13 c.6524_6529del6 variant is predicted to result in an in-frame deletion (p.Ile2175_Ser2176del). To our knowledge, this variant has not been reported in the literature or in a large population database (gnomAD), indicating this variant is rare. At this time, the clinical significance of this variant is uncertain due to the absence of conclusive functional and genetic evidence.

NM_152701.5(ABCA13):c.6524_6529del (p.Ile2175_Ser2176del)

Gene: ABCA13 (ATP binding cassette subfamily A member 13; plus strand). Cytogenetic location: 7p12.3.
Variant type: Deletion.
Coding change: c.6524_6529del on transcript NM_152701.5 (MANE Select); coding-DNA positions 6524 to 6529, 6 bases deleted (TATCTA; older notation c.6524_6529delTATCTA).
Protein change: p.Ile2175_Ser2176del.
Molecular consequence: inframe deletion.
Genome position (GRCh38, 1-based): chr7:48,276,190-48,276,195, TATCTA deleted; deleting any 6 consecutive bases within chr7:48,276,188-48,276,195 gives the same sequence; the c. name uses the placement nearest the transcript's 3' end. VCF-style (leftmost placement, unchanged base first): chr7-48276187-ATATATC-A. GRCh37 (hg19) VCF-style: chr7-48315784-ATATATC-A.
Identifiers: ClinVar variation 4992984 (VCV004992984.1).